The following is an entry in ClinVar:

ClinVar aggregate classification (germline): Conflicting classifications of pathogenicity. Review status: criteria provided, conflicting classifications (1 of 4 stars). 7 submissions from 7 submitters: Uncertain significance (4); Benign (1); Likely benign (2). Last evaluated 2025-11-10.

Conditions:
TSC1-related disorder. Also called: TSC1-related condition.
Hereditary cancer-predisposing syndrome. Also called: Hereditary Cancer Syndrome; Neoplastic Syndromes, Hereditary; Tumor predisposition; Hereditary neoplastic syndrome. Identifiers: Orphanet 140162, MedGen C0027672, MeSH D009386, MONDO:0015356.
Tuberous sclerosis syndrome (TSC). Also called: Tuberous sclerosis; Tuberous Sclerosis Complex. Identifiers: Orphanet 805, MedGen C0041341, MONDO:0001734.
Tuberous sclerosis 1 (TSC1). Identifiers: Orphanet 805, MedGen C1854465, MONDO:0008612, OMIM 191100.

Allele frequency attached by ClinVar (database versions not stated): gnomAD exomes below 0.00001; TOPMed below 0.00001.

Submissions (7):

Labcorp Genetics (formerly Invitae), Labcorp
Classification: Benign for Tuberous sclerosis 1. Last evaluated: 2025-11-10. Review status: criteria provided, single submitter. Criteria: Invitae Variant Classification Sherloc (09022015). Collection method: clinical testing. Allele origin: germline.

Color Diagnostics, LLC DBA Color Health
Classification: Uncertain significance for Tuberous sclerosis syndrome. Last evaluated: 2025-08-30. Review status: criteria provided, single submitter. Criteria: ACMG Guidelines, 2015. Collection method: clinical testing. Allele origin: germline.
Comment: This missense variant replaces asparagine with aspartic acid at codon 1157 of the TSC1 protein. Computational prediction suggests that this variant may not impact protein structure and function. To our knowledge, functional studies have not been reported for this variant. This variant has not been reported in individuals affected with TSC1-related disorders in the literature. This variant has not been identified in the general population by the Genome Aggregation Database (gnomAD). The available evidence is insufficient to determine the role of this variant in disease conclusively. Therefore, this variant is classified as a Variant of Uncertain Significance.

PreventionGenetics, part of Exact Sciences
Classification: Uncertain significance for TSC1-related condition. Last evaluated: 2025-01-02. Review status: criteria provided, single submitter. Criteria: ACMG Guidelines, 2015. Collection method: clinical testing. Allele origin: germline.
Comment: The TSC1 c.3469A>G variant is predicted to result in the amino acid substitution p.Asn1157Asp. To our knowledge, this variant has not been reported in the literature or in a large population database (gnomAD), indicating this variant is rare. At this time, the clinical significance of this variant is uncertain due to the absence of conclusive functional and genetic evidence.

All of Us Research Program, National Institutes of Health
Classification: Uncertain significance for Tuberous sclerosis syndrome. Last evaluated: 2023-08-15. Review status: criteria provided, single submitter. Criteria: ACMG Guidelines, 2015. Collection method: clinical testing. Allele origin: germline. Inheritance: Autosomal dominant inheritance. Observed: 1 variant allele, 1 heterozygote.
Comment: This study involves interpretation of variants in research participants for the purpose of population health screening. Participant phenotype was not available at the time of variant classification. Additional details can be found in publication PMID: 35346344, PMCID: PMC8962531

Ambry Genetics
Classification: Likely benign for Hereditary cancer-predisposing syndrome. Last evaluated: 2022-08-02. Review status: criteria provided, single submitter. Criteria: Ambry Variant Classification Scheme 2023. Collection method: clinical testing. Allele origin: germline.

Genome-Nilou Lab
Classification: Uncertain significance for Tuberous sclerosis 1. Last evaluated: 2021-11-07. Review status: criteria provided, single submitter. Criteria: ACMG Guidelines, 2015. Collection method: clinical testing. Allele origin: germline. Affected: no.

GeneDx
Classification: Likely benign. Last evaluated: 2014-02-21. Review status: criteria provided, single submitter. Criteria: GeneDx Variant Classification (06012015). Collection method: clinical testing. Allele origin: germline. Affected: yes.
Comment: This variant is considered likely benign or benign based on one or more of the following criteria: it is a conservative change, it occurs at a poorly conserved position in the protein, it is predicted to be benign by multiple in silico algorithms, and/or has population frequency not consistent with disease.

NM_000368.5(TSC1):c.3469A>G (p.Asn1157Asp)

Gene: TSC1 (TSC complex subunit 1; minus strand). Cytogenetic location: 9q34.13.
Variant type: single nucleotide variant.
Coding change: c.3469A>G on transcript NM_000368.5 (MANE Select); coding-DNA position 3469, A replaced by G.
Protein change: p.Asn1157Asp; replaces asparagine 1157 with aspartic acid.
Molecular consequence: missense variant.
Genome position (GRCh38, 1-based): chr9:132,896,261, T>C on the plus strand (A>G on the coding strand, the complement: TSC1 is on the minus strand). VCF-style: chr9-132896261-T-C. GRCh37 (hg19) VCF-style: chr9-135771648-T-C.
Other names: p.N1157D:AAT>GAT; c.3466A>G, p.Asn1156Asp (NM_001162426.2); c.3316A>G, p.Asn1106Asp (NM_001162427.2); c.3106A>G, p.Asn1036Asp (NM_001362177.2); short protein forms N1157D, N1106D, N1036D, N1156D.
Identifiers: ClinVar variation 207622 (VCV000207622.21), dbSNP rs796053451, ClinGen allele CA319266.